The following is an entry in ClinVar:

ClinVar aggregate classification (germline): Uncertain significance. Review status: criteria provided, multiple submitters, no conflicts (2 of 4 stars). 3 submissions from 3 submitters: Uncertain significance (3). Last evaluated 2025-09-25.

Conditions:
Inborn genetic diseases. Identifiers: MedGen C0950123, MeSH D030342.

Allele frequency attached by ClinVar (database versions not stated): gnomAD exomes 0.00001 and 0.00002; ExAC 0.00003; gnomAD 0.00006 and 0.00007; TOPMed 0.00006; ESP Exome Variant Server 0.00008; 1000 Genomes Project 30x 0.00016; 1000 Genomes Project 0.00020.
gnomAD v4.1: 32 of 1,614,242 alleles (0.002%); highest among the groups gnomAD compares: African/African-American, 0.017%; no homozygotes.

Submissions (3):

Ambry Genetics
Classification: Uncertain significance for Inborn genetic diseases. Last evaluated: 2025-09-25. Review status: criteria provided, single submitter. Criteria: Ambry Variant Classification Scheme 2023. Collection method: clinical testing. Allele origin: germline.

Labcorp Genetics (formerly Invitae), Labcorp
Classification: Uncertain significance. Last evaluated: 2024-11-11. Review status: criteria provided, single submitter. Criteria: Invitae Variant Classification Sherloc (09022015). Collection method: clinical testing. Allele origin: germline.
Comment: This sequence change replaces threonine, which is neutral and polar, with methionine, which is neutral and non-polar, at codon 230 of the DPYS protein (p.Thr230Met). This variant is present in population databases (rs367706394, gnomAD 0.02%). This variant has not been reported in the literature in individuals affected with DPYS-related conditions. ClinVar contains an entry for this variant (Variation ID: 1254902). Invitae Evidence Modeling of protein sequence and biophysical properties (such as structural, functional, and spatial information, amino acid conservation, physicochemical variation, residue mobility, and thermodynamic stability) indicates that this missense variant is not expected to disrupt DPYS protein function with a negative predictive value of 80%. In summary, the available evidence is currently insufficient to determine the role of this variant in disease. Therefore, it has been classified as a Variant of Uncertain Significance.

GeneDx
Classification: Uncertain significance. Last evaluated: 2022-07-28. Review status: criteria provided, single submitter. Criteria: GeneDx Variant Classification Process June 2021. Collection method: clinical testing. Allele origin: germline. Affected: yes.
Comment: Has not been previously published as pathogenic or benign to our knowledge; In silico analysis supports that this missense variant has a deleterious effect on protein structure/function

NM_001385.3(DPYS):c.689C>T (p.Thr230Met)

Gene: DPYS (dihydropyrimidinase; minus strand). Cytogenetic location: 8q22.3.
Variant type: single nucleotide variant.
Coding change: c.689C>T on transcript NM_001385.3 (MANE Select); coding-DNA position 689, C replaced by T.
Protein change: p.Thr230Met; replaces threonine 230 with methionine.
Molecular consequence: missense variant.
Genome position (GRCh38, 1-based): chr8:104,444,352, G>A on the plus strand (C>T on the coding strand, the complement: DPYS is on the minus strand). VCF-style: chr8-104444352-G-A. GRCh37 (hg19) VCF-style: chr8-105456580-G-A.
Other names: short protein forms T230M.
Identifiers: ClinVar variation 1254902 (VCV001254902.9), dbSNP rs367706394, ClinGen allele CA4838499.